The following is an entry in ClinVar:

NM_130839.5(UBE3A):c.458T>G (p.Val153Gly)

Genes: SNHG14 (small nucleolar RNA host gene 14; plus strand), UBE3A (ubiquitin protein ligase E3A; minus strand). Cytogenetic location: 15q11.2.
Variant type: single nucleotide variant.
Coding change: c.458T>G on transcript NM_130839.5 (MANE Select); coding-DNA position 458, T replaced by G.
Protein change: p.Val153Gly; replaces valine 153 with glycine.
Molecular consequence: missense variant. On other transcripts: non-coding transcript variant (1), intron variant (2).
Genome position (GRCh38, 1-based): chr15:25,371,716, A>C on the plus strand (T>G on the coding strand, the complement: UBE3A is on the minus strand). VCF-style: chr15-25371716-A-C. GRCh37 (hg19) VCF-style: chr15-25616863-A-C.
Other names: p.Val133Gly; c.467T>G, p.Val156Gly (NM_000462.5); c.458T>G, p.Val153Gly (NM_001354505.1, NM_001354538.2, NM_001354545.2); c.398T>G, p.Val133Gly (NM_001354506.2, NM_001354507.2, NM_001354508.2 and 17 more transcripts); c.281T>G, p.Val94Gly (NM_001354546.2); c.301+3749T>G (NM_001354551.2); c.361+3749T>G (NM_001354550.2); short protein forms V133G, V153G, V156G, V94G.
Identifiers: ClinVar variation 156131 (VCV000156131.7), dbSNP rs587782915, ClinGen allele CA333422.

ClinVar aggregate classification (germline): Uncertain significance. Review status: criteria provided, multiple submitters, no conflicts (2 of 4 stars). 3 submissions from 3 submitters: Uncertain significance (2). 1 of the submissions does not count toward it. Last evaluated 2024-02-27.

Conditions:
Angelman syndrome (AS). Also called: HAPPY PUPPET SYNDROME. Identifiers: Orphanet 72, MedGen C0162635, MONDO:0007113, OMIM 105830. Disease mechanism: loss of function. Inheritance: AS is caused by disruption of maternally imprinted UBE3A located within the 15q11.2-q13 Angelman syndrome/Prader-Willi syndrome (AS/PWS) region., imprinting disorder.

Submissions (3):

Mayo Clinic Laboratories, Mayo Clinic
Classification: Uncertain significance. Last evaluated: 2024-02-27. Review status: criteria provided, single submitter. Criteria: ACMG Guidelines, 2015. Collection method: clinical testing. Allele origin: germline. Observed: 1 variant allele.
Comment: PP2, PM2_moderate, PS3_moderate

Genetic Services Laboratory, University of Chicago
Classification: Uncertain significance for Angelman syndrome. Last evaluated: 2013-02-22. Review status: criteria provided, single submitter. Criteria: ACMG Guidelines, 2007. Collection method: clinical testing. Allele origin: germline. Inheritance: Autosomal dominant inheritance.

Baylor Genetics
Classification: Uncertain significance for Angelman syndrome. Last evaluated: 2014-02-14. Review status: no assertion criteria provided. Collection method: clinical testing. Allele origin: germline. Affected: yes. Observed: 1 variant allele. Study: UBE3A Mutation Study. Not counted in ClinVar's aggregate classification.
Comment: possible diagnosis of Angelman syndrome

Data collected from clinical UBE3A sequence analysis results

Literature cited by the submitters: PubMed 25212744 (cited by Mayo Clinic Laboratories, Mayo Clinic and Baylor Genetics); PubMed 29491882 (cited by Mayo Clinic Laboratories, Mayo Clinic); PubMed 34815418 (cited by Mayo Clinic Laboratories, Mayo Clinic).